The following is an entry in ClinVar:

ClinVar aggregate classification (germline): Likely benign (1 of 4 stars; one submission).

Submission:

GeneDx
Classification: Likely benign. Last evaluated: 2020-03-14. Review status: criteria provided, single submitter. Criteria: GeneDx Variant Classification Process June 2021. Collection method: clinical testing. Allele origin: germline. Affected: yes.
Comment: See Variant Classification Assertion Criteria.

NM_001164405.2(BHLHA9):c.-26G>A

Gene: BHLHA9 (basic helix-loop-helix family member a9; plus strand). Cytogenetic location: 17p13.3.
Variant type: single nucleotide variant.
Coding change: c.-26G>A on transcript NM_001164405.2 (MANE Select); 26 bases upstream of the start codon, G replaced by A.
Molecular consequence: 5 prime UTR variant.
Genome position (GRCh38, 1-based): chr17:1,270,538, G>A. VCF-style: chr17-1270538-G-A. GRCh37 (hg19) VCF-style: chr17-1173832-G-A.
Identifiers: ClinVar variation 3340796 (VCV003340796.1).